The following is an entry in ClinVar:

NM_021729.6(VPS11):c.1732C>T (p.Arg578Cys)

Gene: VPS11 (VPS11 core subunit of CORVET and HOPS complexes; plus strand). Cytogenetic location: 11q23.3.
Variant type: single nucleotide variant.
Coding change: c.1732C>T on transcript NM_021729.6 (MANE Select); coding-DNA position 1732, C replaced by T.
Protein change: p.Arg578Cys; replaces arginine 578 with cysteine.
Molecular consequence: missense variant. On other transcripts: non-coding transcript variant (8).
Genome position (GRCh38, 1-based): chr11:119,078,037, C>T. VCF-style: chr11-119078037-C-T. GRCh37 (hg19) VCF-style: chr11-118948747-C-T.
Other names: c.1702C>T, p.Arg568Cys (NM_001290185.2); c.1744C>T, p.Arg582Cys (NM_001378218.1, NM_001378219.1); c.1717C>T, p.Arg573Cys (NM_001378220.1); c.1714C>T, p.Arg572Cys (NM_001378221.1); short protein forms R582C, R568C, R572C, R573C, R578C.
Identifiers: ClinVar variation 3700002 (VCV003700002.1).

ClinVar aggregate classification (germline): Uncertain significance (1 of 4 stars; one submission).

gnomAD v4.1: 21 of 1,612,028 alleles (0.0013%); highest among the groups gnomAD compares: South Asian, 0.0033%; no homozygotes.

Submission:

Labcorp Genetics (formerly Invitae), Labcorp
Classification: Uncertain significance. Last evaluated: 2024-07-12. Review status: criteria provided, single submitter. Criteria: Invitae Variant Classification Sherloc (09022015). Collection method: clinical testing. Allele origin: germline.
Comment: This sequence change replaces arginine, which is basic and polar, with cysteine, which is neutral and slightly polar, at codon 578 of the VPS11 protein (p.Arg578Cys). This variant is present in population databases (rs781878357, gnomAD 0.005%). This variant has not been reported in the literature in individuals affected with VPS11-related conditions. Advanced modeling of protein sequence and biophysical properties (such as structural, functional, and spatial information, amino acid conservation, physicochemical variation, residue mobility, and thermodynamic stability) performed at Invitae indicates that this missense variant is not expected to disrupt VPS11 protein function with a negative predictive value of 80%. In summary, the available evidence is currently insufficient to determine the role of this variant in disease. Therefore, it has been classified as a Variant of Uncertain Significance.